The following is an entry in ClinVar:

ClinVar aggregate classification (germline): Pathogenic (1 of 4 stars; one submission).

Submission:

Labcorp Genetics (formerly Invitae), Labcorp
Classification: Pathogenic. Last evaluated: 2019-05-27. Review status: criteria provided, single submitter. Criteria: Invitae Variant Classification Sherloc (09022015). Collection method: clinical testing. Allele origin: germline.
Comment: For these reasons, this variant has been classified as Pathogenic. Loss-of-function variants in PHEX are known to be pathogenic (PMID: 9097956, 9106524, 19219621). This variant is not present in population databases (ExAC no frequency). This sequence change creates a premature translational stop signal (p.Tyr565*) in the PHEX gene. It is expected to result in an absent or disrupted protein product.

Literature cited by the submitters: PubMed 9097956; PubMed 9106524; PubMed 19219621.

NM_000444.6(PHEX):c.1695T>A (p.Tyr565Ter)

Genes: PHEX (phosphate regulating endopeptidase X-linked; plus strand), PTCHD1-AS (PTCHD1 and PHEX antisense RNA; minus strand). Cytogenetic location: Xp22.11.
Variant type: single nucleotide variant.
Coding change: c.1695T>A on transcript NM_000444.6 (MANE Select); coding-DNA position 1695, T replaced by A.
Protein change: p.Tyr565Ter; replaces tyrosine 565 with a stop codon.
Molecular consequence: nonsense.
Genome position (GRCh38, 1-based): chrX:22,212,953, T>A. VCF-style: chrX-22212953-T-A. GRCh37 (hg19) VCF-style: chrX-22231070-T-A.
Other names: c.1695T>A, p.Tyr565Ter (NM_001282754.2); short protein forms Y565*.
Identifiers: ClinVar variation 947990 (VCV000947990.9), dbSNP rs1934977931, ClinGen allele CA412575700.